The following is an entry in ClinVar:

NM_000158.4(GBE1):c.691+5G>C

Gene: GBE1 (1,4-alpha-glucan branching enzyme 1; minus strand). Cytogenetic location: 3p12.2.
Variant type: single nucleotide variant.
Coding change: c.691+5G>C on transcript NM_000158.4 (MANE Select); 5 bases into the intron after coding-DNA position 691, G replaced by C.
Molecular consequence: intron variant.
Genome position (GRCh38, 1-based): chr3:81,648,851, C>G on the plus strand (G>C on the coding strand, the complement: GBE1 is on the minus strand). VCF-style: chr3-81648851-C-G. GRCh37 (hg19) VCF-style: chr3-81698002-C-G.
Other names: IVS5DS, G-C, +5; c.691+5G>C.
Identifiers: ClinVar variation 2792 (VCV000002792.13), dbSNP rs397515344, ClinGen allele CA115766.

ClinVar aggregate classification (germline): Likely pathogenic. Review status: criteria provided, multiple submitters, no conflicts (2 of 4 stars). 6 submissions from 6 submitters: Likely pathogenic (4). 2 of the submissions do not count toward it. Last evaluated 2025-05-28.

Conditions:
Glycogen storage disease, type IV (GSD4). Also called: AMYLOPECTINOSIS; ANDERSEN DISEASE; BRANCHER DEFICIENCY; Glycogen storage disease due to glycogen branching enzyme deficiency; CIRRHOSIS, FAMILIAL, WITH DEPOSITION OF ABNORMAL GLYCOGEN; GBE1 DEFICIENCY. Identifiers: Orphanet 367, MedGen C0017923, MONDO:0009292, OMIM 232500.
Glycogen storage disease IV, classic hepatic. Also called: GSD IV, CLASSIC HEPATIC. Identifiers: MedGen C1856301.
Glycogen storage disease due to glycogen branching enzyme deficiency, congenital neuromuscular form. Also called: GSD IV, NEUROMUSCULAR FORM, CONGENITAL; GLYCOGEN STORAGE DISEASE IV, CONGENITAL NEUROMUSCULAR. Identifiers: Orphanet 308670, MedGen C1856304, MONDO:0017698.

Allele frequency attached by ClinVar (database versions not stated): TOPMed below 0.00001.

Submissions (6):

Women's Health and Genetics/Laboratory Corporation of America, LabCorp
Classification: Likely pathogenic for Glycogen storage disease, type IV. Last evaluated: 2025-05-28. Review status: criteria provided, single submitter. Criteria: LabCorp Variant Classification Summary - May 2015. Collection method: clinical testing. Allele origin: germline.
Comment: Variant summary: GBE1 c.691+5G>C alters a conserved nucleotide located close to a canonical splice site and therefore could affect mRNA splicing, leading to a significantly altered protein sequence. Several computational tools predict a significant impact on normal splicing: One predict the variant abolishes a 5' splicing donor site. Three predict the variant weakens a 5' donor site. At least one publication reports experimental evidence that this variant affects mRNA splicing (Assereto_2007). The variant was absent in 1502074 control chromosomes. c.691+5G>C has been observed as homozygous genotype in an individual affected with Glycogen Storage Disease, Type IV (Assereto_2007). These data indicate that the variant may be associated with disease. At least one publication reports experimental evidence evaluating an impact on protein function. The most pronounced variant effect results in loss of protein expression in fibroblasts derived from the patient (Assereto_2007). The following publication have been ascertained in the context of this evaluation (PMID: 17662246). ClinVar contains an entry for this variant (Variation ID: 2792). Based on the evidence outlined above, the variant was classified as likely pathogenic.

Natera, Inc.
Classification: Likely pathogenic for Glycogen storage disease type IV. Last evaluated: 2024-10-17. Review status: criteria provided, single submitter. Criteria: Natera Variant Classification Schema (03/2026). Collection method: clinical testing. Allele origin: germline.
Comment: The c.691+5G>C variant in GBE1 is an intronic variant located outside the canonical splice sites. This variant is rare in the general population with a frequency below the threshold expected for the associated phenotype(s). This variant has been observed in one or more individuals affected with the associated recessive disease, as either homozygous or compound heterozygous with a second variant (PMID: 17662246). Functional studies show that this variant may disrupt protein function (PMID: 17662246). Computational prediction algorithms indicate this variant is likely to affect gene or protein function. Given the available evidence, this variant is classified as Likely Pathogenic.

Labcorp Genetics (formerly Invitae), Labcorp
Classification: Likely pathogenic for Glycogen storage disease, type IV; Glycogen storage disease IV, classic hepatic. Last evaluated: 2024-02-22. Review status: criteria provided, single submitter. Criteria: Invitae Variant Classification Sherloc (09022015). Collection method: clinical testing. Allele origin: germline.
Comment: This sequence change falls in intron 5 of the GBE1 gene. It does not directly change the encoded amino acid sequence of the GBE1 protein. RNA analysis indicates that this variant induces altered splicing and may result in an absent or disrupted protein product. This variant is not present in population databases (gnomAD no frequency). This variant has been observed in individual(s) with glycogen storage disease (PMID: 17662246). ClinVar contains an entry for this variant (Variation ID: 2792). Variants that disrupt the consensus splice site are a relatively common cause of aberrant splicing (PMID: 17576681, 9536098). Studies have shown that this variant results in skipping of exon 5 or exons 5-6 and introduces a premature termination codon (PMID: 17662246). The resulting mRNA is expected to undergo nonsense-mediated decay. In summary, the currently available evidence indicates that the variant is pathogenic, but additional data are needed to prove that conclusively. Therefore, this variant has been classified as Likely Pathogenic.

Baylor Genetics
Classification: Likely pathogenic for Glycogen storage disease, type IV. Last evaluated: 2024-01-09. Review status: criteria provided, single submitter. Criteria: ACMG Guidelines, 2015. Collection method: clinical testing. Allele origin: unknown.

GeneReviews
Classification: Pathogenic for Adult Polyglucosan Body Disease. Last evaluated: 2009-04-02. Review status: no assertion criteria provided. Collection method: curation. Allele origin: unknown. Not counted in ClinVar's aggregate classification.
ClinVar note: Converted during submission from pathologic to Pathogenic.

OMIM
Classification: Pathogenic for GLYCOGEN STORAGE DISEASE IV, CONGENITAL NEUROMUSCULAR. Last evaluated: 2007-09-21. Review status: no assertion criteria provided. Collection method: literature only. Allele origin: germline. Not counted in ClinVar's aggregate classification.

Literature cited by the submitters: PubMed 17662246 (cited by 4 submitters); PubMed 17576681 (cited by Labcorp Genetics (formerly Invitae), Labcorp); PubMed 9536098 (cited by Labcorp Genetics (formerly Invitae), Labcorp).